The following is an entry in ClinVar:

NC_000002.11:g.(?_166237082)_(166246334_?)del

Gene: SCN2A (sodium voltage-gated channel alpha subunit 2; plus strand). Cytogenetic location: 2q24.3.
Variant type: Deletion.
Identifiers: ClinVar variation 1451601 (VCV001451601.9).

ClinVar aggregate classification (germline): Pathogenic (1 of 4 stars; one submission).

Conditions:
Developmental and epileptic encephalopathy, 11 (DEE11). Also called: Early infantile epileptic encephalopathy 11. Identifiers: Orphanet 1934, MedGen C3150987, MONDO:0013388, OMIM 613721.
Seizures, benign familial infantile, 3 (BFIS3). Also called: CONVULSIONS, BENIGN FAMILIAL INFANTILE, 3; Familial neonatal seizures. Identifiers: Orphanet 140927, Orphanet 306, MedGen C1843140, MONDO:0011904, OMIM 607745.

Submission:

Labcorp Genetics (formerly Invitae), Labcorp
Classification: Pathogenic for Seizures, benign familial infantile, 3; Developmental and epileptic encephalopathy, 11. Last evaluated: 2022-08-09. Review status: criteria provided, single submitter. Criteria: Invitae Variant Classification Sherloc (09022015). Collection method: clinical testing. Allele origin: germline.
Comment: This variant has not been reported in the literature in individuals affected with SCN2A-related conditions. For these reasons, this variant has been classified as Pathogenic. This variant disrupts a region of the SCN2A protein in which other variant(s) (p.Ile1615Argfs*47) have been determined to be pathogenic (Invitae). This suggests that this is a clinically significant region of the protein, and that variants that disrupt it are likely to be disease-causing. This variant is a gross deletion of the genomic region encompassing exon(s) 24-27 of the SCN2A gene, which includes the termination codon. This deletion extends beyond the assayed region for this gene and therefore may encompass additional genes. While this deletion is not anticipated to lead to nonsense mediated decay, it is expected to alter mRNA translation or result in a truncated protein product.